The following is an entry in ClinVar:

NM_207037.2(TCF12):c.1277A>T (p.Asp426Val)

Gene: TCF12 (transcription factor 12; plus strand). Cytogenetic location: 15q21.3.
Variant type: single nucleotide variant.
Coding change: c.1277A>T on transcript NM_207037.2 (MANE Select); coding-DNA position 1277, A replaced by T.
Protein change: p.Asp426Val; replaces aspartic acid 426 with valine.
Molecular consequence: missense variant.
Genome position (GRCh38, 1-based): chr15:57,253,278, A>T. VCF-style: chr15-57253278-A-T. GRCh37 (hg19) VCF-style: chr15-57545476-A-T.
Other names: c.767A>T, p.Asp256Val (NM_001306219.3); c.497A>T, p.Asp166Val (NM_001306220.3); c.1277A>T, p.Asp426Val (NM_001322151.2, NM_001322152.2, NM_001322159.3 and 2 more transcripts); c.620A>T, p.Asp207Val (NM_001322154.2); c.1103A>T, p.Asp368Val (NM_001322156.2); c.1205A>T, p.Asp402Val (NM_001322157.3, NM_001322165.2, NM_003205.4 and 1 more transcripts); c.1031A>T, p.Asp344Val (NM_001322158.2); c.1274A>T, p.Asp425Val (NM_001322161.2); and 2 more; short protein forms D166V, D207V, D232V, D256V, D344V, D368V, D402V, D414V.
Identifiers: ClinVar variation 3342413 (VCV003342413.1).

ClinVar aggregate classification (germline): Uncertain significance (1 of 4 stars; one submission).

Submission:

GeneDx
Classification: Uncertain significance. Last evaluated: 2023-08-18. Review status: criteria provided, single submitter. Criteria: GeneDx Variant Classification Process June 2021. Collection method: clinical testing. Allele origin: germline. Affected: yes.
Comment: Not observed at significant frequency in large population cohorts (gnomAD); In silico analysis supports that this missense variant has a deleterious effect on protein structure/function; Has not been previously published as pathogenic or benign to our knowledge